The following is an entry in ClinVar:

NM_017946.4(FKBP14):c.487T>C (p.Tyr163His)

Genes: FKBP14 (FKBP prolyl isomerase 14; minus strand), FKBP14-AS1 (FKBP14 antisense RNA 1; plus strand). Cytogenetic location: 7p14.3.
Variant type: single nucleotide variant.
Coding change: c.487T>C on transcript NM_017946.4 (MANE Select); coding-DNA position 487, T replaced by C.
Protein change: p.Tyr163His; replaces tyrosine 163 with histidine.
Molecular consequence: missense variant. On other transcripts: non-coding transcript variant (2).
Genome position (GRCh38, 1-based): chr7:30,014,884, A>G on the plus strand (T>C on the coding strand, the complement: FKBP14 is on the minus strand). VCF-style: chr7-30014884-A-G. GRCh37 (hg19) VCF-style: chr7-30054500-A-G.
Other names: short protein forms Y163H.
Identifiers: ClinVar variation 4025183 (VCV004025183.1).
Genomic context (GRCh38, chr7:30,014,884, plus strand): 5'-AAGCATCATGATGACTTTCATTCACCACCGCACCATGTTTTTCAAACTCCTTCTTTAAAT[A>G]TGCTTTAACCTACAAAATAACAGATCCCATTAATAACTTGGATTCATAAGATACCCACAT-3'
Protein context (NP_060416.1, residues 153-173): WKLSKDEVKA[Tyr163His]LKKEFEKHGA

ClinVar aggregate classification (germline): Uncertain significance (1 of 4 stars; one submission).

Conditions:
Cardiovascular phenotype. Identifiers: MedGen CN230736.

Submission:

Ambry Genetics
Classification: Uncertain significance for Cardiovascular phenotype. Last evaluated: 2025-05-27. Review status: criteria provided, single submitter. Criteria: Ambry Variant Classification Scheme 2023. Collection method: clinical testing. Allele origin: germline.
Comment: The p.Y163H variant (also known as c.487T>C), located in coding exon 4 of the FKBP14 gene, results from a T to C substitution at nucleotide position 487. The tyrosine at codon 163 is replaced by histidine, an amino acid with similar properties. This amino acid position is conserved. In addition, this alteration is predicted to be deleterious by in silico analysis. Based on the available evidence, the clinical significance of this variant remains unclear.